The following is an entry in ClinVar:

ClinVar aggregate classification (germline): Conflicting classifications of pathogenicity. Review status: criteria provided, conflicting classifications (1 of 4 stars). 3 submissions from 3 submitters: Uncertain significance (2); Likely benign (1). Last evaluated 2026-02-25.

Conditions:
OTOF-related disorder. Also called: OTOF-related condition.

Allele frequency attached by ClinVar (database versions not stated): gnomAD exomes 0.00001; TOPMed 0.00001; ExAC 0.00002; gnomAD 0.00005; 1000 Genomes Project 30x 0.00031; 1000 Genomes Project 0.00040.
gnomAD v4.1: 20 of 1,613,534 alleles (0.0012%); highest among the groups gnomAD compares: East Asian, 0.042%; no homozygotes.

Submissions (3):

PreventionGenetics, part of Exact Sciences
Classification: Uncertain significance for OTOF-related condition. Last evaluated: 2026-02-25. Review status: criteria provided, single submitter. Criteria: ACMG Guidelines, 2015. Collection method: clinical testing. Allele origin: germline.
Comment: The OTOF c.409G>A variant is predicted to result in the amino acid substitution p.Glu137Lys. To our knowledge, this variant has not been reported in the literature. This variant is reported in 0.055% of alleles in individuals of East Asian descent in gnomAD. At this time, the clinical significance of this variant is uncertain due to the absence of conclusive functional and genetic evidence.

Labcorp Genetics (formerly Invitae), Labcorp
Classification: Likely benign. Last evaluated: 2024-08-14. Review status: criteria provided, single submitter. Criteria: Invitae Variant Classification Sherloc (09022015). Collection method: clinical testing. Allele origin: germline.

GeneDx
Classification: Uncertain significance. Last evaluated: 2024-06-10. Review status: criteria provided, single submitter. Criteria: GeneDx Variant Classification Process June 2021. Collection method: clinical testing. Allele origin: germline. Affected: yes.
Comment: In silico analysis indicates that this missense variant does not alter protein structure/function; Has not been previously published as pathogenic or benign to our knowledge

NM_194248.3(OTOF):c.409G>A (p.Glu137Lys)

Gene: OTOF (otoferlin; minus strand). Cytogenetic location: 2p23.3.
Variant type: single nucleotide variant.
Coding change: c.409G>A on transcript NM_194248.3 (MANE Select); coding-DNA position 409, G replaced by A.
Protein change: p.Glu137Lys; replaces glutamic acid 137 with lysine.
Molecular consequence: missense variant.
Genome position (GRCh38, 1-based): chr2:26,516,518, C>T on the plus strand (G>A on the coding strand, the complement: OTOF is on the minus strand). VCF-style: chr2-26516518-C-T. GRCh37 (hg19) VCF-style: chr2-26739386-C-T.
Other names: c.409G>A (NM_194248.2); c.409G>A, p.Glu137Lys (NM_001287489.2); short protein forms E137K.
Identifiers: ClinVar variation 2965830 (VCV002965830.5), dbSNP rs576401026, ClinGen allele CA1564676.